The following is an entry in ClinVar:

ClinVar aggregate classification (germline): Uncertain significance (1 of 4 stars; one submission).

Conditions:
Familial acute necrotizing encephalopathy (IIAE3). Also called: Susceptibility to Acute Necrotizing Encephalopathy 1; ENCEPHALOPATHY, ACUTE, INFECTION-INDUCED, SUSCEPTIBILITY TO, 3. Identifiers: Orphanet 88619, MedGen C2675556, MONDO:0011953, OMIM 608033.

Allele frequency attached by ClinVar (database versions not stated): gnomAD 0.00001; gnomAD exomes 0.00003 and 0.00007; TOPMed 0.00003; ExAC 0.00006; ESP Exome Variant Server 0.00008.
gnomAD v4.1: 111 of 1,608,016 alleles (0.0069%); highest among the groups gnomAD compares: Non-Finnish European, 0.0087%; no homozygotes.

Submission:

Labcorp Genetics (formerly Invitae), Labcorp
Classification: Uncertain significance for Familial acute necrotizing encephalopathy. Last evaluated: 2022-03-19. Review status: criteria provided, single submitter. Criteria: Invitae Variant Classification Sherloc (09022015). Collection method: clinical testing. Allele origin: germline.
Comment: This sequence change replaces serine, which is neutral and polar, with cysteine, which is neutral and slightly polar, at codon 2831 of the RANBP2 protein (p.Ser2831Cys). This variant is present in population databases (rs368434436, gnomAD 0.006%). This variant has not been reported in the literature in individuals affected with RANBP2-related conditions. ClinVar contains an entry for this variant (Variation ID: 537221). Algorithms developed to predict the effect of missense changes on protein structure and function (SIFT, PolyPhen-2, Align-GVGD) all suggest that this variant is likely to be disruptive. In summary, the available evidence is currently insufficient to determine the role of this variant in disease. Therefore, it has been classified as a Variant of Uncertain Significance.

NM_006267.5(RANBP2):c.8491A>T (p.Ser2831Cys)

Gene: RANBP2 (RAN binding protein 2; plus strand). Cytogenetic location: 2q13.
Variant type: single nucleotide variant.
Coding change: c.8491A>T on transcript NM_006267.5 (MANE Select); coding-DNA position 8491, A replaced by T.
Protein change: p.Ser2831Cys; replaces serine 2831 with cysteine.
Molecular consequence: missense variant.
Genome position (GRCh38, 1-based): chr2:108,775,930, A>T. VCF-style: chr2-108775930-A-T. GRCh37 (hg19) VCF-style: chr2-109392386-A-T.
Other names: short protein forms S2831C.
Identifiers: ClinVar variation 537221 (VCV000537221.11), dbSNP rs368434436, ClinGen allele CA1823848.